The following is an entry in ClinVar:

NM_004606.5(TAF1):c.835G>C (p.Val279Leu)

Gene: TAF1 (TATA-box binding protein associated factor 1; plus strand). Cytogenetic location: Xq13.1.
Variant type: single nucleotide variant.
Coding change: c.835G>C on transcript NM_004606.5 (MANE Select); coding-DNA position 835, G replaced by C.
Protein change: p.Val279Leu; replaces valine 279 with leucine.
Molecular consequence: missense variant. On other transcripts: non-coding transcript variant (9).
Genome position (GRCh38, 1-based): chrX:71,377,723, G>C. VCF-style: chrX-71377723-G-C. GRCh37 (hg19) VCF-style: chrX-70597573-G-C.
Other names: p.Val299Leu; c.835G>C, p.Val279Leu (NM_001286074.2); c.772G>C, p.Val258Leu (NM_138923.4); c.895G>C (NM_004606.4); short protein forms V258L, V279L.
Identifiers: ClinVar variation 2145395 (VCV002145395.5), dbSNP rs770996786, ClinGen allele CA10446623.

ClinVar aggregate classification (germline): Uncertain significance. Review status: criteria provided, multiple submitters, no conflicts (2 of 4 stars). 2 submissions from 2 submitters: Uncertain significance (2). Last evaluated 2025-05-15.

Allele frequency attached by ClinVar (database versions not stated): gnomAD exomes below 0.00001; ExAC 0.00001.
gnomAD v4.1: 7 of 1,209,856 alleles (0.00058%); highest among the groups gnomAD compares: African/African-American, 0.0053%; no homozygotes.

Submissions (2):

Mayo Clinic Laboratories, Mayo Clinic
Classification: Uncertain significance. Last evaluated: 2025-05-15. Review status: criteria provided, single submitter. Criteria: ACMG Guidelines, 2015. Collection method: clinical testing. Allele origin: germline. Observed: 1 variant allele.
Comment: BP4_moderate

Labcorp Genetics (formerly Invitae), Labcorp
Classification: Uncertain significance. Last evaluated: 2024-04-24. Review status: criteria provided, single submitter. Criteria: Invitae Variant Classification Sherloc (09022015). Collection method: clinical testing. Allele origin: germline.
Comment: This sequence change replaces valine, which is neutral and non-polar, with leucine, which is neutral and non-polar, at codon 299 of the TAF1 protein (p.Val299Leu). This variant is not present in population databases (gnomAD no frequency). This variant has not been reported in the literature in individuals affected with TAF1-related conditions. ClinVar contains an entry for this variant (Variation ID: 2145395). An algorithm developed to predict the effect of missense changes on protein structure and function (PolyPhen-2) suggests that this variant is likely to be tolerated. In summary, the available evidence is currently insufficient to determine the role of this variant in disease. Therefore, it has been classified as a Variant of Uncertain Significance.